The following is an entry in ClinVar:

ClinVar aggregate classification (germline): Pathogenic (1 of 4 stars; one submission).

Conditions:
H syndrome. Also called: HISTIOCYTOSIS AND LYMPHADENOPATHY WITH OR WITHOUT CUTANEOUS, CARDIAC, AND/OR ENDOCRINE FEATURES, JOINT CONTRACTURES, AND/OR DEAFNESS; HYPERPIGMENTATION, CUTANEOUS, WITH HYPERTRICHOSIS, HEPATOSPLENOMEGALY, HEART ANOMALIES, AND HYPOGONADISM WITH OR WITHOUT HEARING LOSS; PIGMENTED HYPERTRICHOSIS WITH INSULIN-DEPENDENT DIABETES MELLITUS; ROSAI-DORFMAN DISEASE, FAMILIAL; SINUS HISTIOCYTOSIS AND MASSIVE LYMPHADENOPATHY; Hyperpigmentation, Cutaneous, with Hypertrichosis, Hepatosplenomegaly, Heart Anomalies, Hearing Loss, and Hypogonadism. Identifiers: Orphanet 168569, MedGen C1864445, MONDO:0011273, OMIM 602782.

Submission:

Labcorp Genetics (formerly Invitae), Labcorp
Classification: Pathogenic for H syndrome. Last evaluated: 2022-08-22. Review status: criteria provided, single submitter. Criteria: Invitae Variant Classification Sherloc (09022015). Collection method: clinical testing. Allele origin: germline.
Comment: This variant is a gross deletion of the genomic region encompassing exon(s) 6 of the SLC29A3 gene, which includes the termination codon. This deletion extends beyond the assayed region for this gene and therefore may encompass additional genes. While this deletion is not anticipated to lead to nonsense mediated decay, it is expected to alter mRNA translation or result in a truncated protein product. This variant has not been reported in the literature in individuals affected with SLC29A3-related conditions. This variant disrupts a region of the SLC29A3 protein in which other variant(s) (p.Gly437Arg) have been determined to be pathogenic (PMID: 18940313, 20595384, 20619369, 29041934). This suggests that this is a clinically significant region of the protein, and that variants that disrupt it are likely to be disease-causing. For these reasons, this variant has been classified as Pathogenic.

Literature cited by the submitters: PubMed 18940313; PubMed 20595384; PubMed 20619369; PubMed 29041934.

NC_000010.10:g.(?_73121691)_(73122365_?)del

Gene: SLC29A3 (solute carrier family 29 member 3; plus strand). Cytogenetic location: 10q22.1.
Variant type: Deletion.
Identifiers: ClinVar variation 2426463 (VCV002426463.4).